The following is an entry in ClinVar:

NM_000143.4(FH):c.1198A>C (p.Asn400His)

Gene: FH (fumarate hydratase; minus strand). Cytogenetic location: 1q43.
Variant type: single nucleotide variant.
Coding change: c.1198A>C on transcript NM_000143.4 (MANE Select); coding-DNA position 1198, A replaced by C.
Protein change: p.Asn400His; replaces asparagine 400 with histidine.
Molecular consequence: missense variant.
Genome position (GRCh38, 1-based): chr1:241,502,481, T>G on the plus strand (A>C on the coding strand, the complement: FH is on the minus strand). VCF-style: chr1-241502481-T-G. GRCh37 (hg19) VCF-style: chr1-241665781-T-G.
Other names: short protein forms N400H.
Identifiers: ClinVar variation 3230432 (VCV003230432.1), dbSNP rs1131691247, ClinGen allele CA345437359.
Genomic context (GRCh38, chr1:241,502,481, plus strand): 5'-AAAAATCAGATTTAAAGCTTACCATCATTGGCTTGAAAACATTCAACTCAAAATGTCCAT[T>G]GCTGCCTCCGACAGTGACAGCAACATGGTTCCCCATGACTTGGGCTGCAACCATGGTCAT-3'
Protein context (NP_000134.2, residues 390-410): NHVAVTVGGS[Asn400His]GHFELNVFKP

ClinVar aggregate classification (germline): Uncertain significance (1 of 4 stars; one submission).

Conditions:
Hereditary cancer-predisposing syndrome. Also called: Neoplastic Syndromes, Hereditary; Tumor predisposition; Hereditary neoplastic syndrome; Hereditary Cancer Syndrome. Identifiers: Orphanet 140162, MedGen C0027672, MeSH D009386, MONDO:0015356.

Submission:

Ambry Genetics
Classification: Uncertain significance for Hereditary cancer-predisposing syndrome. Last evaluated: 2023-10-06. Review status: criteria provided, single submitter. Criteria: Ambry Variant Classification Scheme 2023. Collection method: clinical testing. Allele origin: germline.
Comment: The p.N400H variant (also known as c.1198A>C), located in coding exon 8 of the FH gene, results from an A to C substitution at nucleotide position 1198. The asparagine at codon 400 is replaced by histidine, an amino acid with similar properties. This amino acid position is conserved. In addition, the in silico prediction for this alteration is inconclusive. Since supporting evidence is limited at this time, the clinical significance of this alteration remains unclear.